The following is an entry in ClinVar:

ClinVar aggregate classification (germline): Conflicting classifications of pathogenicity. Review status: criteria provided, conflicting classifications (1 of 4 stars). 2 submissions from 2 submitters: Uncertain significance (1); Likely benign (1). Last evaluated 2026-05-14.

Conditions:
Renal cell carcinoma. Identifiers: Orphanet 217071, MedGen C0007134, MeSH D002292, MONDO:0005086, HP:0005584.
Hereditary cancer-predisposing syndrome. Also called: Neoplastic Syndromes, Hereditary; Tumor predisposition; Hereditary Cancer Syndrome; Hereditary neoplastic syndrome. Identifiers: Orphanet 140162, MedGen C0027672, MeSH D009386, MONDO:0015356.

Submissions (2):

Ambry Genetics
Classification: Likely benign for Hereditary cancer-predisposing syndrome. Last evaluated: 2026-05-14. Review status: criteria provided, single submitter. Criteria: Ambry Variant Classification Scheme 2023. Collection method: clinical testing. Allele origin: germline.

Labcorp Genetics (formerly Invitae), Labcorp
Classification: Uncertain significance for Renal cell carcinoma. Last evaluated: 2024-05-19. Review status: criteria provided, single submitter. Criteria: Invitae Variant Classification Sherloc (09022015). Collection method: clinical testing. Allele origin: germline.
Comment: This sequence change replaces threonine, which is neutral and polar, with isoleucine, which is neutral and non-polar, at codon 555 of the MET protein (p.Thr555Ile). This variant is not present in population databases (gnomAD no frequency). This variant has not been reported in the literature in individuals affected with MET-related conditions. Advanced modeling of protein sequence and biophysical properties (such as structural, functional, and spatial information, amino acid conservation, physicochemical variation, residue mobility, and thermodynamic stability) performed at Invitae indicates that this missense variant is not expected to disrupt MET protein function with a negative predictive value of 80%. In summary, the available evidence is currently insufficient to determine the role of this variant in disease. Therefore, it has been classified as a Variant of Uncertain Significance.

NM_000245.4(MET):c.1664C>T (p.Thr555Ile)

Gene: MET (MET proto-oncogene, receptor tyrosine kinase; plus strand). Cytogenetic location: 7q31.2.
Variant type: single nucleotide variant.
Coding change: c.1664C>T on transcript NM_000245.4 (MANE Select); coding-DNA position 1664, C replaced by T.
Protein change: p.Thr555Ile; replaces threonine 555 with isoleucine.
Molecular consequence: missense variant.
Genome position (GRCh38, 1-based): chr7:116,740,988, C>T. VCF-style: chr7-116740988-C-T. GRCh37 (hg19) VCF-style: chr7-116381042-C-T.
Other names: c.1664C>T, p.Thr555Ile (NM_001127500.3, NM_001324401.3); c.374C>T, p.Thr125Ile (NM_001324402.2); short protein forms T555I, T125I.
Identifiers: ClinVar variation 3294287 (VCV003294287.4).